The following is an entry in ClinVar:

NM_015474.4(SAMHD1):c.1208_1209delinsAT (p.Gly403Asp)

Gene: SAMHD1 (SAM and HD domain containing deoxynucleoside triphosphate triphosphohydrolase 1; minus strand). Cytogenetic location: 20q11.23.
Variant type: Indel.
Coding change: c.1208_1209delinsAT on transcript NM_015474.4 (MANE Select); coding-DNA positions 1208 to 1209, GA replaced by AT.
Protein change: p.Gly403Asp; replaces glycine 403 with aspartic acid.
Molecular consequence: missense variant.
Genome position (GRCh38, 1-based): chr20:36,911,279-36,911,280, TC replaced by AT on the plus strand (GA replaced by AT on the coding strand, the reverse complement: SAMHD1 is on the minus strand). VCF-style: chr20-36911279-TC-AT. GRCh37 (hg19) VCF-style: chr20-35539682-TC-AT.
Other names: c.1208_1209delinsAT, p.Gly403Asp (NM_001363729.2, NM_001363733.2); short protein forms G403D.
Identifiers: ClinVar variation 1512655 (VCV001512655.5), dbSNP rs2148364990, ClinGen allele CA2573157076.

ClinVar aggregate classification (germline): Uncertain significance (1 of 4 stars; one submission).

Conditions:
Aicardi-Goutieres syndrome 5. Identifiers: Orphanet 51, MedGen C2749659, MONDO:0013059, OMIM 612952.

Submission:

Labcorp Genetics (formerly Invitae), Labcorp
Classification: Uncertain significance for Aicardi-Goutieres syndrome 5. Last evaluated: 2022-02-10. Review status: criteria provided, single submitter. Criteria: Invitae Variant Classification Sherloc (09022015). Collection method: clinical testing. Allele origin: germline.
Comment: This sequence change replaces glycine, which is neutral and non-polar, with aspartic acid, which is acidic and polar, at codon 403 of the SAMHD1 protein (p.Gly403Asp). Information on the frequency of this variant in the gnomAD database is not available, as this variant may be reported differently in the database. This variant has not been reported in the literature in individuals affected with SAMHD1-related conditions. Algorithms developed to predict the effect of missense changes on protein structure and function are either unavailable or do not agree on the potential impact of this missense change (SIFT: "Not Available"; PolyPhen-2: "Benign"; Align-GVGD: "Not Available"). In summary, the available evidence is currently insufficient to determine the role of this variant in disease. Therefore, it has been classified as a Variant of Uncertain Significance.